The following is an entry in ClinVar:

NM_001035.3(RYR2):c.4454G>A (p.Cys1485Tyr)

Gene: RYR2 (ryanodine receptor 2; plus strand). Cytogenetic location: 1q43.
Variant type: single nucleotide variant.
Coding change: c.4454G>A on transcript NM_001035.3 (MANE Select); coding-DNA position 4454, G replaced by A.
Protein change: p.Cys1485Tyr; replaces cysteine 1485 with tyrosine.
Molecular consequence: missense variant.
Genome position (GRCh38, 1-based): chr1:237,595,515, G>A. VCF-style: chr1-237595515-G-A. GRCh37 (hg19) VCF-style: chr1-237758815-G-A.
Other names: short protein forms C1485Y.
Identifiers: ClinVar variation 2046052 (VCV002046052.4), dbSNP rs1675793863, ClinGen allele CA345400116.

ClinVar aggregate classification (germline): Uncertain significance (1 of 4 stars; one submission).

Conditions:
Catecholaminergic polymorphic ventricular tachycardia 1. Also called: VENTRICULAR TACHYCARDIA, CATECHOLAMINERGIC POLYMORPHIC, 1, WITH OR WITHOUT ATRIAL DYSFUNCTION AND/OR DILATED CARDIOMYOPATHY; RYR2-Related Catecholaminergic Polymorphic Ventricular Tachycardia; VENTRICULAR TACHYCARDIA, STRESS-INDUCED POLYMORPHIC 1. Identifiers: Orphanet 3286, MedGen C1631597, MONDO:0011484, OMIM 604772.

Submission:

Labcorp Genetics (formerly Invitae), Labcorp
Classification: Uncertain significance for Catecholaminergic polymorphic ventricular tachycardia 1. Last evaluated: 2022-08-09. Review status: criteria provided, single submitter. Criteria: Invitae Variant Classification Sherloc (09022015). Collection method: clinical testing. Allele origin: germline.
Comment: In summary, the available evidence is currently insufficient to determine the role of this variant in disease. Therefore, it has been classified as a Variant of Uncertain Significance. Algorithms developed to predict the effect of missense changes on protein structure and function (SIFT, PolyPhen-2, Align-GVGD) all suggest that this variant is likely to be disruptive. This sequence change replaces cysteine, which is neutral and slightly polar, with tyrosine, which is neutral and polar, at codon 1485 of the RYR2 protein (p.Cys1485Tyr). This variant is not present in population databases (gnomAD no frequency). This variant has not been reported in the literature in individuals affected with RYR2-related conditions.